The following is an entry in ClinVar:

NM_002609.4(PDGFRB):c.1519_1520insTACTGTCGGTGC (p.Val506_Arg507insLeuLeuSerVal)

Gene: PDGFRB (platelet derived growth factor receptor beta; minus strand). Cytogenetic location: 5q32.
Variant type: Insertion.
Coding change: c.1519_1520insTACTGTCGGTGC on transcript NM_002609.4 (MANE Select); coding-DNA positions 1519 to 1520, TACTGTCGGTGC inserted.
Protein change: p.Val506_Arg507insLeuLeuSerVal.
Molecular consequence: inframe insertion.
Genome position: GRCh38 VCF-style: chr5-150129816-C-CGCACCGACAGTA. GRCh37 (hg19) VCF-style: chr5-149509379-C-CGCACCGACAGTA.
Other names: c.1327_1328insTACTGTCGGTGC, p.Val442_Arg443insLeuLeuSerVal (NM_001355016.2); c.1036_1037insTACTGTCGGTGC, p.Val345_Arg346insLeuLeuSerVal (NM_001355017.2).
Identifiers: ClinVar variation 973194 (VCV000973194.3), dbSNP rs1760406652, ClinGen allele CA1139659147.

ClinVar aggregate classification (germline): Pathogenic (1 of 4 stars; one submission).

Conditions:
Infantile myofibromatosis (IMF). Also called: Congenital generalized fibromatosis. Identifiers: Orphanet 2591, MedGen C0432284, MONDO:0016824.

Submission:

Demoulin lab, University of Louvain
Classification: Pathogenic for Infantile myofibromatosis. Last evaluated: 2018-08-10. Review status: criteria provided, single submitter. Criteria: Dachy G et al. (JAMA Dermatol 2019). Collection method: research. Allele origin: somatic. Affected: yes. Observed: 1 variant allele.
Comment: The mutation strongly activates PDGFRB signaling in in vitro assays (gain of function).

This gain-of-function mutation of PDGFRB is sensitive to tyrosine kinase inhibitor imatinib.